The following is an entry in ClinVar:

ClinVar aggregate classification (germline): Uncertain significance. Review status: criteria provided, multiple submitters, no conflicts (2 of 4 stars). 5 submissions from 5 submitters: Uncertain significance (5). Last evaluated 2026-01-12.

Conditions:
Inborn genetic diseases. Identifiers: MedGen C0950123, MeSH D030342.
Progressive myoclonic epilepsy. Also called: Familial progressive myoclonic epilepsy; Progressive myoclonus epilepsy; Myoclonic Epilepsies, Progressive; Myoclonus epilepsy. Identifiers: Orphanet 308, Orphanet 98261, MedGen C0751778, MONDO:0020074.

Allele frequency attached by ClinVar (database versions not stated): ExAC below 0.00001; gnomAD 0.00007 and 0.00006; TOPMed 0.00008; 1000 Genomes Project 30x 0.00016; 1000 Genomes Project 0.00020; gnomAD exomes 0.00001 and 0.00002.
gnomAD v4.1: 18 of 1,529,408 alleles (0.0012%); highest among the groups gnomAD compares: African/African-American, 0.024%; no homozygotes.

Submissions (5):

Labcorp Genetics (formerly Invitae), Labcorp
Classification: Uncertain significance for Progressive myoclonic epilepsy. Last evaluated: 2026-01-12. Review status: criteria provided, single submitter. Criteria: Invitae Variant Classification Sherloc (09022015). Collection method: clinical testing. Allele origin: germline.
Comment: This sequence change replaces glutamine, which is neutral and polar, with proline, which is neutral and non-polar, at codon 10 of the CSTB protein (p.Gln10Pro). The frequency data for this variant in the population databases is considered unreliable, as metrics indicate poor data quality at this position in the gnomAD database. This variant has not been reported in the literature in individuals affected with CSTB-related conditions. ClinVar contains an entry for this variant (Variation ID: 193045). An algorithm developed to predict the effect of missense changes on protein structure and function (PolyPhen-2) suggests that this variant is likely to be disruptive. In summary, the available evidence is currently insufficient to determine the role of this variant in disease. Therefore, it has been classified as a Variant of Uncertain Significance.

Ambry Genetics
Classification: Uncertain significance for Inborn genetic diseases. Last evaluated: 2024-11-20. Review status: criteria provided, single submitter. Criteria: Ambry Variant Classification Scheme 2023. Collection method: clinical testing. Allele origin: germline.

GeneDx
Classification: Uncertain significance. Last evaluated: 2023-08-10. Review status: criteria provided, single submitter. Criteria: GeneDx Variant Classification Process June 2021. Collection method: clinical testing. Allele origin: germline. Affected: yes.
Comment: In silico analysis supports that this missense variant has a deleterious effect on protein structure/function; Has not been previously published as pathogenic or benign to our knowledge

Athena Diagnostics
Classification: Uncertain significance. Last evaluated: 2019-07-19. Review status: criteria provided, single submitter. Criteria: Athena Diagnostics Criteria. Collection method: clinical testing. Allele origin: germline.

Eurofins Ntd Llc (ga)
Classification: Uncertain significance. Last evaluated: 2014-12-02. Review status: criteria provided, single submitter. Criteria: EGL Classification Definitions 2015. Collection method: clinical testing. Allele origin: germline. Observed: 1 variant allele, 1 heterozygote.

NM_000100.4(CSTB):c.29A>C (p.Gln10Pro)

Genes: CSTB (cystatin B; minus strand), LOC130066788 (ATAC-STARR-seq lymphoblastoid silent region 13368; plus strand). Cytogenetic location: 21q22.3.
Variant type: single nucleotide variant.
Coding change: c.29A>C on transcript NM_000100.4 (MANE Select); coding-DNA position 29, A replaced by C.
Protein change: p.Gln10Pro; replaces glutamine 10 with proline.
Molecular consequence: missense variant.
Genome position (GRCh38, 1-based): chr21:43,776,241, T>G on the plus strand (A>C on the coding strand, the complement: CSTB is on the minus strand). VCF-style: chr21-43776241-T-G. GRCh37 (hg19) VCF-style: chr21-45196122-T-G.
Other names: p.Q10P:CAG>CCG; short protein forms Q10P.
Identifiers: ClinVar variation 193045 (VCV000193045.20), dbSNP rs569851503, ClinGen allele CA238552.